The following is an entry in ClinVar:

ClinVar aggregate classification (germline): Uncertain significance (1 of 4 stars; one submission).

Conditions:
Cardiovascular phenotype. Identifiers: MedGen CN230736.

Allele frequency attached by ClinVar (database versions not stated): gnomAD exomes below 0.00001.
gnomAD v4.1: 1 of 1,613,484 alleles (0.000062%); highest among the groups gnomAD compares: Admixed American, 0.0017%; no homozygotes.

Submission:

Ambry Genetics
Classification: Uncertain significance for Cardiovascular phenotype. Last evaluated: 2022-09-12. Review status: criteria provided, single submitter. Criteria: Ambry Variant Classification Scheme 2023. Collection method: clinical testing. Allele origin: germline.
Comment: The p.D1623H variant (also known as c.4867G>C), located in coding exon 36 of the RYR2 gene, results from a G to C substitution at nucleotide position 4867. The aspartic acid at codon 1623 is replaced by histidine, an amino acid with similar properties. This amino acid position is not well conserved in available vertebrate species. In addition, the in silico prediction for this alteration is inconclusive. Since supporting evidence is limited at this time, the clinical significance of this alteration remains unclear.

NM_001035.3(RYR2):c.4867G>C (p.Asp1623His)

Gene: RYR2 (ryanodine receptor 2; plus strand). Cytogenetic location: 1q43.
Variant type: single nucleotide variant.
Coding change: c.4867G>C on transcript NM_001035.3 (MANE Select); coding-DNA position 4867, G replaced by C.
Protein change: p.Asp1623His; replaces aspartic acid 1623 with histidine.
Molecular consequence: missense variant.
Genome position (GRCh38, 1-based): chr1:237,610,945, G>C. VCF-style: chr1-237610945-G-C. GRCh37 (hg19) VCF-style: chr1-237774245-G-C.
Other names: short protein forms D1623H.
Identifiers: ClinVar variation 1743672 (VCV001743672.2), dbSNP rs1194621692, ClinGen allele CA345402801.